The following is an entry in ClinVar:

NM_000138.5(FBN1):c.3370T>G (p.Cys1124Gly)

Gene: FBN1 (fibrillin 1; minus strand). Cytogenetic location: 15q21.1.
Variant type: single nucleotide variant.
Coding change: c.3370T>G on transcript NM_000138.5 (MANE Select); coding-DNA position 3370, T replaced by G.
Protein change: p.Cys1124Gly; replaces cysteine 1124 with glycine.
Molecular consequence: missense variant.
Genome position (GRCh38, 1-based): chr15:48,487,405, A>C on the plus strand (T>G on the coding strand, the complement: FBN1 is on the minus strand). VCF-style: chr15-48487405-A-C. GRCh37 (hg19) VCF-style: chr15-48779602-A-C.
Other names: c.3370T>G, p.Cys1124Gly (NM_001406716.1); short protein forms C1124G.
Identifiers: ClinVar variation 1325494 (VCV001325494.2), dbSNP rs2141293730, ClinGen allele CA392326636.

ClinVar aggregate classification (germline): Pathogenic (1 of 4 stars; one submission).

Conditions:
Marfan syndrome (MFS). Also called: Marfan syndrome type 1; Marfan's syndrome; FBN1-Related Marfan Syndrome; MARFAN SYNDROME, TYPE I; Marfan syndrome, classic. Identifiers: Orphanet 284963, Orphanet 558, MedGen C0024796, MONDO:0007947, OMIM 154700.

Submission:

Centre of Medical Genetics, University of Antwerp
Classification: Pathogenic for Marfan syndrome. Last evaluated: 2021-03-01. Review status: criteria provided, single submitter. Criteria: Submitter's publication. Collection method: research. Allele origin: unknown. Affected: yes.
Comment: PM2, PVS2, PP4